The following is an entry in ClinVar:

NM_018325.5(C9orf72):c.*651G>T

Gene: C9orf72 (C9orf72-SMCR8 complex subunit; minus strand). Cytogenetic location: 9p21.2.
Variant type: single nucleotide variant.
Coding change: c.*651G>T on transcript NM_018325.5 (MANE Select); 651 bases downstream of the stop codon, G replaced by T.
Molecular consequence: 3 prime UTR variant.
Genome position (GRCh38, 1-based): chr9:27,547,585, C>A on the plus strand (G>T on the coding strand, the complement: C9orf72 is on the minus strand). VCF-style: chr9-27547585-C-A. GRCh37 (hg19) VCF-style: chr9-27547583-C-A.
Other names: c.*651G>T (NM_001256054.3).
Identifiers: ClinVar variation 366495 (VCV000366495.5), dbSNP rs548883941, ClinGen allele CA10627189.

ClinVar aggregate classification (germline): Benign (1 of 4 stars; one submission).

Conditions:
Frontotemporal dementia and/or amyotrophic lateral sclerosis 1 (FTDALS1). Also called: Frontotemporal dementia with motor neuron disease 1; C9orf72 Frontotemporal Dementia and/or Amyotrophic Lateral Sclerosis. Identifiers: Orphanet 275872, MedGen C5779877, MONDO:0007105, OMIM 105550.

Allele frequency attached by ClinVar (database versions not stated): gnomAD 0.00001 and 0.00036; TOPMed 0.00003; 1000 Genomes Project 30x 0.00312; 1000 Genomes Project 0.00359.

Submission:

Illumina Laboratory Services, Illumina
Classification: Benign for Frontotemporal dementia and/or amyotrophic lateral sclerosis 1. Last evaluated: 2018-01-12. Review status: criteria provided, single submitter. Criteria: ICSL Variant Classification Criteria 13 December 2019. Collection method: clinical testing. Allele origin: germline.
Comment: This variant was observed in the ICSL laboratory as part of a predisposition screen in an ostensibly healthy population. It had not been previously curated by ICSL or reported in the Human Gene Mutation Database (HGMD: prior to June 1st, 2018), and was therefore a candidate for classification through an automated scoring system. Utilizing variant allele frequency, disease prevalence and penetrance estimates, and inheritance mode, an automated score was calculated to assess if this variant is too frequent to cause the disease. Based on the score and internal cut-off values, a variant classified as benign is not then subjected to further curation. The score for this variant resulted in a classification of benign for this disease.